The following is an entry in ClinVar:

ClinVar aggregate classification (germline): Likely benign. Review status: criteria provided, single submitter (1 of 4 stars). 2 submissions from 2 submitters: Likely benign (1). 1 of the submissions does not count toward it. Last evaluated 2025-12-13.

Conditions:
ASNS-related disorder. Also called: ASNS-related condition.

Allele frequency attached by ClinVar (database versions not stated): TOPMed 0.00004; gnomAD 0.00005 and 0.00006; gnomAD exomes 0.00008 and 0.00013; ExAC 0.00011.
gnomAD v4.1: 196 of 1,614,104 alleles (0.012%); highest among the groups gnomAD compares: Non-Finnish European, 0.014%; no homozygotes.

Submissions (2):

Labcorp Genetics (formerly Invitae), Labcorp
Classification: Likely benign. Last evaluated: 2025-12-13. Review status: criteria provided, single submitter. Criteria: Invitae Variant Classification Sherloc (09022015). Collection method: clinical testing. Allele origin: germline.

PreventionGenetics, part of Exact Sciences
Classification: Likely benign for ASNS-related condition. Last evaluated: 2019-03-18. Review status: no assertion criteria provided. Collection method: clinical testing. Allele origin: germline. Not counted in ClinVar's aggregate classification.
Comment: This variant is classified as likely benign based on ACMG/AMP sequence variant interpretation guidelines (Richards et al. 2015 PMID: 25741868, with internal and published modifications).

NM_001673.5(ASNS):c.204G>A (p.Pro68=)

Genes: ASNS (asparagine synthetase (glutamine-hydrolyzing); minus strand), CZ1P-ASNS (CZ1P-ASNS readthrough; minus strand). Cytogenetic location: 7q21.3.
Variant type: single nucleotide variant.
Coding change: c.204G>A on transcript NM_001673.5 (MANE Select); coding-DNA position 204, G replaced by A.
Protein change: p.Pro68=; no amino-acid change (proline 68 retained).
Molecular consequence: synonymous variant. On other transcripts: non-coding transcript variant (1), intron variant (2).
Genome position (GRCh38, 1-based): chr7:97,868,953, C>T on the plus strand (G>A on the coding strand, the complement: ASNS is on the minus strand). VCF-style: chr7-97868953-C-T. GRCh37 (hg19) VCF-style: chr7-97498265-C-T.
Other names: c.141G>A, p.Pro47= (NM_001178075.2); c.204G>A, p.Pro68= (NM_001352496.2, NM_133436.3, NM_183356.4); c.-1+3398G>A (NM_001178076.2); c.-1+3088G>A (NM_001178077.1).
Identifiers: ClinVar variation 1085112 (VCV001085112.11), dbSNP rs759237768, ClinGen allele CA4354827.